The following is an entry in ClinVar:

NM_000141.5(FGFR2):c.940-1G>T

Gene: FGFR2 (fibroblast growth factor receptor 2; minus strand). Cytogenetic location: 10q26.13.
Variant type: single nucleotide variant.
Coding change: c.940-1G>T on transcript NM_000141.5 (MANE Select); the canonical splice acceptor site of the intron before coding-DNA position 940, G replaced by T.
Molecular consequence: splice acceptor variant. On other transcripts: intron variant (7).
Genome position (GRCh38, 1-based): chr10:121,517,464, C>A on the plus strand (G>T on the coding strand, the complement: FGFR2 is on the minus strand). VCF-style: chr10-121517464-C-A. GRCh37 (hg19) VCF-style: chr10-123276978-C-A.
Other names: c.749-2145G>T (NM_001144914.1); c.595-1G>T (NM_001144918.2, NM_001441091.1, NM_001441090.1 and 1 more transcripts); c.673-1G>T (NM_001441089.1, NM_023029.3, NM_001144915.2); c.820+1218G>T (NM_001441088.1, NM_001144919.2); c.939+2515G>T (NM_001144917.2); c.940-1G>T (NM_001320658.2); c.1087+1218G>T (NM_001441087.1, NM_022970.4, NM_001144913.1); c.256-1G>T (NM_001320654.2).
Identifiers: ClinVar variation 1322899 (VCV001322899.12), dbSNP rs879253719, ClinGen allele CA378328624.

ClinVar aggregate classification (germline): Pathogenic. Review status: criteria provided, multiple submitters, no conflicts (2 of 4 stars). 2 submissions from 2 submitters: Pathogenic (2). Last evaluated 2020-11-13.

Conditions:
FGFR2-related craniosynostosis. Identifiers: MedGen CN231480.

Submissions (2):

Labcorp Genetics (formerly Invitae), Labcorp
Classification: Pathogenic for FGFR2-related craniosynostosis. Last evaluated: 2020-11-13. Review status: criteria provided, single submitter. Criteria: Invitae Variant Classification Sherloc (09022015). Collection method: clinical testing. Allele origin: germline.
Comment: For these reasons, this variant has been classified as Pathogenic. Studies have shown that this variant is associated with skipping of exons 7 and 8 but is expected to preserve the integrity of the reading frame (PMID: 9973282). Disruption of this splice site has been observed in individual(s) with Pfeiffer syndrome (PMID: 9973282, 10394936, 12884424, 27481450, 9048930). This variant is also known as c.1119-1G>T in the literature. This variant is not present in population databases (ExAC no frequency). This sequence change affects an acceptor splice site in intron 7 of the FGFR2 gene. RNA analysis indicates that this variant induces altered splicing and likely results in a shortened protein product.

Revvity Omics, Revvity
Classification: Pathogenic. Last evaluated: 2019-07-09. Review status: criteria provided, single submitter. Criteria: ACMG Guidelines, 2015. Collection method: clinical testing. Allele origin: germline.

Literature cited by the submitters: PubMed 9973282 (cited by Labcorp Genetics (formerly Invitae), Labcorp); PubMed 10394936 (cited by Labcorp Genetics (formerly Invitae), Labcorp); PubMed 12884424 (cited by Labcorp Genetics (formerly Invitae), Labcorp); PubMed 27481450 (cited by Labcorp Genetics (formerly Invitae), Labcorp); PubMed 9048930 (cited by Labcorp Genetics (formerly Invitae), Labcorp).